The following is an entry in ClinVar:

NM_000488.4(SERPINC1):c.51T>C (p.Tyr17=)

Gene: SERPINC1 (serpin family C member 1; minus strand). Cytogenetic location: 1q25.1.
Variant type: single nucleotide variant.
Coding change: c.51T>C on transcript NM_000488.4 (MANE Select); coding-DNA position 51, T replaced by C.
Protein change: p.Tyr17=; no amino-acid change (tyrosine 17 retained).
Molecular consequence: synonymous variant. On other transcripts: 5 prime UTR variant (1).
Genome position (GRCh38, 1-based): chr1:173,914,910, A>G on the plus strand (T>C on the coding strand, the complement: SERPINC1 is on the minus strand). VCF-style: chr1-173914910-A-G. GRCh37 (hg19) VCF-style: chr1-173884048-A-G.
Other names: NM_000488.4(SERPINC1):c.51T>C; p.Tyr17=; c.-94T>C (NM_001365052.2); c.51T>C, p.Tyr17= (NM_001386302.1, NM_001386304.1, NM_001386305.1 and 1 more transcripts); c.132T>C, p.Tyr44= (NM_001386303.1).
Identifiers: ClinVar variation 1159798 (VCV001159798.8), dbSNP rs2102790373, ClinGen allele CA421942697.

ClinVar aggregate classification (germline): Likely benign. Review status: reviewed by expert panel (3 of 4 stars). 2 submissions from 2 submitters: Likely benign (1). 1 of the submissions does not count toward it. Last evaluated 2023-07-25.

Conditions:
Hereditary antithrombin deficiency (AT3D). Also called: Antithrombin deficiency; Reduced antithrombin III activity; Antithrombin III deficiency; Thrombophilia due to antithrombin III deficiency. Identifiers: Orphanet 82, MedGen C0272375, MONDO:0013144, OMIM 613118, HP:0001976.

Submissions (2):

Clingen Thrombosis Variant Curation Expert Panel, ClinGen
Classification: Likely benign for Hereditary antithrombin deficiency. Last evaluated: 2023-07-25. Review status: reviewed by expert panel. Criteria: ClinGen ACMG Specifications SERPINC1 V1.0.0. Collection method: curation. Allele origin: germline. Inheritance: Autosomal dominant inheritance.
Comment: The NM_000488.4(SERPINC1):c.51T>C variant predicts a synonymous change at residue Tyr 117. The variant has not been reported in any individuals with AT deficiency in the literature at this time, to the best of our knowledge. The variant is absent in gnomAD v2.1.1 and v3.1.2 (PM2_Supporting). It has a VarSEAK score of 1, and Splice AI gives an acceptor loss score of 0.01 (BP4). The nucleotide appears to be not conserved, with a PhyloP score of 0.02 (BP7). In summary, based on the evidence available at this time, the clinical significance of this variant is likely benign. ACMG/AMP criteria applied, as specified by the Thrombosis Variant Curation Expert Panel for AT Deficiency for SERPINC1: BP4, BP7, PM2_Supporting.

Labcorp Genetics (formerly Invitae), Labcorp
Classification: Likely benign for Hereditary antithrombin deficiency. Last evaluated: 2019-11-29. Review status: criteria provided, single submitter. Criteria: Invitae Variant Classification Sherloc (09022015). Collection method: clinical testing. Allele origin: germline. Not counted in ClinVar's aggregate classification.